The following is an entry in ClinVar:

ClinVar aggregate classification (germline): Uncertain significance (1 of 4 stars; one submission).

Conditions:
Intellectual disability, autosomal dominant 16 (CSS4). Also called: COFFIN-SIRIS SYNDROME 4. Identifiers: Orphanet 1465, MedGen C3553249, MONDO:0013821, OMIM 614609.

Submission:

3billion
Classification: Uncertain significance for Intellectual disability, autosomal dominant 16. Last evaluated: 2025-05-15. Review status: criteria provided, single submitter. Criteria: ACMG Guidelines, 2015. Collection method: clinical testing. Allele origin: germline. Affected: yes.
Comment: The variant is not observed in the gnomAD v4.1.0 dataset. Predicted Consequence/Location: Missense variant In silico tool predictions suggest damaging effect of the variant on gene or gene product [REVEL: 0.74 (>=0.6, sensitivity 0.68 and specificity 0.92); 3Cnet: 0.77 (> 0.75, sensitivity 0.96 and precision 0.92)]. Different missense changes at the same codon have been reported as of uncertain significance (ClinVar ID: VCV001006476, VCV003798882; 3billion dataset). Therefore, this variant is classified as VUS according to the recommendation of ACMG/AMP guideline.

NM_003072.5(SMARCA4):c.3400G>A (p.Asp1134Asn)

Gene: SMARCA4 (SWI/SNF related BAF chromatin remodeling complex subunit ATPase 4; plus strand). Cytogenetic location: 19p13.2.
Variant type: single nucleotide variant.
Coding change: c.3400G>A on transcript NM_003072.5 (MANE Select); coding-DNA position 3400, G replaced by A.
Protein change: p.Asp1134Asn; replaces aspartic acid 1134 with asparagine.
Molecular consequence: missense variant. On other transcripts: non-coding transcript variant (1).
Genome position (GRCh38, 1-based): chr19:11,030,747, G>A. VCF-style: chr19-11030747-G-A. GRCh37 (hg19) VCF-style: chr19-11141423-G-A.
Other names: c.3400G>A, p.Asp1134Asn (NM_001128844.3, NM_001128845.2, NM_001128846.2 and 6 more transcripts); short protein forms D1134N.
Identifiers: ClinVar variation 4854926 (VCV004854926.1).